The following is an entry in ClinVar:

ClinVar aggregate classification (germline): Uncertain significance (1 of 4 stars; one submission).

Conditions:
Propionic acidemia (PROP). Also called: GLYCINEMIA, KETOTIC; HYPERGLYCINEMIA WITH KETOACIDOSIS AND LEUKOPENIA; KETOTIC HYPERGLYCINEMIA. Identifiers: Orphanet 35, MedGen C0268579, MONDO:0011628, OMIM 606054, HP:0003571.

Allele frequency attached by ClinVar (database versions not stated): gnomAD exomes 0.00001.
gnomAD v4.1: 4 of 1,599,880 alleles (0.00025%); highest among the groups gnomAD compares: Non-Finnish European, 0.00034%; no homozygotes.

Submission:

Labcorp Genetics (formerly Invitae), Labcorp
Classification: Uncertain significance for Propionic acidemia. Last evaluated: 2022-08-08. Review status: criteria provided, single submitter. Criteria: Invitae Variant Classification Sherloc (09022015). Collection method: clinical testing. Allele origin: germline.
Comment: This sequence change replaces proline, which is neutral and non-polar, with serine, which is neutral and polar, at codon 447 of the PCCA protein (p.Pro447Ser). This variant is not present in population databases (gnomAD no frequency). This variant has not been reported in the literature in individuals affected with PCCA-related conditions. Advanced modeling of protein sequence and biophysical properties (such as structural, functional, and spatial information, amino acid conservation, physicochemical variation, residue mobility, and thermodynamic stability) performed at Invitae indicates that this missense variant is expected to disrupt PCCA protein function. In summary, the available evidence is currently insufficient to determine the role of this variant in disease. Therefore, it has been classified as a Variant of Uncertain Significance.

NM_000282.4(PCCA):c.1339C>T (p.Pro447Ser)

Gene: PCCA (propionyl-CoA carboxylase subunit alpha; plus strand). Cytogenetic location: 13q32.3.
Variant type: single nucleotide variant.
Coding change: c.1339C>T on transcript NM_000282.4 (MANE Select); coding-DNA position 1339, C replaced by T.
Protein change: p.Pro447Ser; replaces proline 447 with serine.
Molecular consequence: missense variant. On other transcripts: non-coding transcript variant (5).
Genome position (GRCh38, 1-based): chr13:100,307,246, C>T. VCF-style: chr13-100307246-C-T. GRCh37 (hg19) VCF-style: chr13-100959500-C-T.
Other names: c.1261C>T, p.Pro421Ser (NM_001127692.3, NM_001352607.2); c.1339C>T, p.Pro447Ser (NM_001178004.2, NM_001352605.2, NM_001352609.2); c.1195C>T, p.Pro399Ser (NM_001352606.2); c.1117C>T, p.Pro373Ser (NM_001352608.2); c.394C>T, p.Pro132Ser (NM_001352610.2, NM_001352611.2); c.250C>T, p.Pro84Ser (NM_001352612.2); short protein forms P84S, P132S, P373S, P399S, P421S, P447S.
Identifiers: ClinVar variation 1715674 (VCV001715674.3), dbSNP rs2548143051, ClinGen allele CA388695704.